The following is an entry in ClinVar:

ClinVar aggregate classification (germline): Pathogenic (1 of 4 stars; one submission).

Conditions:
Phenylketonuria (PKU). Also called: FOLLING DISEASE; OLIGOPHRENIA PHENYLPYRUVICA; Phenylketonurias; Phenylketonuria (PKU). Identifiers: Orphanet 716, MedGen C0031485, MONDO:0009861, OMIM 261600. Disease mechanism: loss of function.

Submission:

Victorian Clinical Genetics Services, Murdoch Childrens Research Institute
Classification: Pathogenic for Phenylketonuria. Last evaluated: 2024-10-08. Review status: criteria provided, single submitter. Criteria: ACMG Guidelines, 2015. Collection method: clinical testing. Allele origin: germline. Inheritance: Autosomal recessive inheritance. Affected: no.
Comment: Based on the classification scheme VCGS_Germline_v1.3.4, this variant is classified as Pathogenic. Following criteria are met: 0102 - Loss of function is a known mechanism of disease in this gene and is associated with phenylketonuria (MIM#261600). (I) 0106 - This gene is associated with autosomal recessive disease. (I) 0201 - Variant is predicted to cause nonsense-mediated decay (NMD) and loss of protein (premature termination codon is located at least 54 nucleotides upstream of the final exon-exon junction). (SP) 0251 - This variant is heterozygous. (I) 0301 - Variant is absent from gnomAD (both v2 and v3). (SP) 0701 - Other NMD predicted variants comparable to the one identified in this case have very strong previous evidence for pathogenicity (DECIPHER). (SP) 0807 - This variant has no previous evidence of pathogenicity. (I) 0905 - No published segregation evidence has been identified for this variant. (I) 1007 - No published functional evidence has been identified for this variant. (I) Legend: (SP) - Supporting pathogenic, (I) - Information, (SB) - Supporting benign

NM_000277.3(PAH):c.1153dup (p.Leu385fs)

Gene: PAH (phenylalanine hydroxylase; minus strand). Cytogenetic location: 12q23.2.
Variant type: Duplication.
Coding change: c.1153dup on transcript NM_000277.3 (MANE Select); coding-DNA position 1153, one base duplicated (C; older notation c.1153dupC).
Protein change: p.Leu385fs; shifts the reading frame from leucine 385.
Molecular consequence: frameshift variant.
Genome position (GRCh38, 1-based): chr12:102,843,692, G duplicated on the plus strand (C on the coding strand, the reverse complement: PAH is on the minus strand); the first of 4 consecutive G bases (chr12:102,843,692-102,843,695); duplicating any one gives the same sequence. VCF-style (leftmost placement, unchanged base first): chr12-102843691-A-AG. GRCh37 (hg19) VCF-style: chr12-103237469-A-AG.
Other names: c.1153dup, p.Leu385fs (NM_001354304.2); short protein forms L385fs.
Identifiers: ClinVar variation 3377241 (VCV003377241.1).